The following is an entry in ClinVar:

ClinVar aggregate classification (germline): Uncertain significance (1 of 4 stars; one submission).

Conditions:
Inborn genetic diseases. Identifiers: MedGen C0950123, MeSH D030342.

Submission:

Ambry Genetics
Classification: Uncertain significance for Inborn genetic diseases. Last evaluated: 2022-09-11. Review status: criteria provided, single submitter. Criteria: Ambry Variant Classification Scheme 2023. Collection method: clinical testing. Allele origin: germline.
Comment: The p.G496V variant (also known as c.1487G>T), located in coding exon 16 of the ERCC2 gene, results from a G to T substitution at nucleotide position 1487. The glycine at codon 496 is replaced by valine, an amino acid with dissimilar properties. This amino acid position is conserved. In addition, this alteration is predicted to be deleterious by in silico analysis. Since supporting evidence is limited at this time, the clinical significance of this alteration remains unclear.

NM_000400.4(ERCC2):c.1487G>T (p.Gly496Val)

Gene: ERCC2 (ERCC excision repair 2, TFIIH core complex helicase subunit; minus strand). Cytogenetic location: 19q13.32.
Variant type: single nucleotide variant.
Coding change: c.1487G>T on transcript NM_000400.4 (MANE Select); coding-DNA position 1487, G replaced by T.
Protein change: p.Gly496Val; replaces glycine 496 with valine.
Molecular consequence: missense variant.
Genome position (GRCh38, 1-based): chr19:45,355,721, C>A on the plus strand (G>T on the coding strand, the complement: ERCC2 is on the minus strand). VCF-style: chr19-45355721-C-A. GRCh37 (hg19) VCF-style: chr19-45858979-C-A.
Other names: short protein forms G496V.
Identifiers: ClinVar variation 1773695 (VCV001773695.2), dbSNP rs2514008539, ClinGen allele CA406365968.